The following is an entry in ClinVar:

ClinVar aggregate classification (germline): Uncertain significance. Review status: criteria provided, multiple submitters, no conflicts (2 of 4 stars). 2 submissions from 2 submitters: Uncertain significance (2). Last evaluated 2023-08-28.

Allele frequency attached by ClinVar (database versions not stated): ExAC 0.00002; TOPMed 0.00002; gnomAD 0.00003; gnomAD exomes 0.00003.
gnomAD v4.1: 46 of 1,608,866 alleles (0.0029%); highest among the groups gnomAD compares: Middle Eastern, 0.016%; no homozygotes.

Submissions (2):

Blueprint Genetics
Classification: Uncertain significance. Last evaluated: 2023-08-28. Review status: criteria provided, single submitter. Criteria: ACMG Guidelines, 2015. Collection method: clinical testing. Allele origin: germline.

Labcorp Genetics (formerly Invitae), Labcorp
Classification: Uncertain significance. Last evaluated: 2022-02-03. Review status: criteria provided, single submitter. Criteria: Invitae Variant Classification Sherloc (09022015). Collection method: clinical testing. Allele origin: germline.
Comment: In summary, the available evidence is currently insufficient to determine the role of this variant in disease. Therefore, it has been classified as a Variant of Uncertain Significance. Algorithms developed to predict the effect of missense changes on protein structure and function (SIFT, PolyPhen-2, Align-GVGD) all suggest that this variant is likely to be disruptive. ClinVar contains an entry for this variant (Variation ID: 1000165). This variant has not been reported in the literature in individuals affected with RAB28-related conditions. This variant is present in population databases (rs755627331, gnomAD 0.007%). This sequence change replaces arginine, which is basic and polar, with cysteine, which is neutral and slightly polar, at codon 192 of the RAB28 protein (p.Arg192Cys).

NM_004249.4(RAB28):c.574C>T (p.Arg192Cys)

Gene: RAB28 (RAB28, member RAS oncogene family; minus strand). Cytogenetic location: 4p15.33.
Variant type: single nucleotide variant.
Coding change: c.574C>T on transcript NM_004249.4 (MANE Plus Clinical); coding-DNA position 574, C replaced by T.
Protein change: p.Arg192Cys; replaces arginine 192 with cysteine.
Molecular consequence: missense variant. On other transcripts: intron variant (2).
Genome position (GRCh38, 1-based): chr4:13,369,965, G>A on the plus strand (C>T on the coding strand, the complement: RAB28 is on the minus strand). VCF-style: chr4-13369965-G-A. GRCh37 (hg19) VCF-style: chr4-13371589-G-A.
Other names: c.574-1315C>T (NM_001017979.3); c.*32-1315C>T (NM_001159601.2); short protein forms R192C.
Identifiers: ClinVar variation 1000165 (VCV001000165.7), dbSNP rs755627331, ClinGen allele CA2860000.